The following is an entry in ClinVar:

ClinVar aggregate classification (germline): Pathogenic (1 of 4 stars; one submission).

Conditions:
Early-infantile DEE. Also called: Early infantile epileptic encephalopathy; Ohtahara syndrome; Early infantile epileptic encephalopathy with suppression bursts. Identifiers: Orphanet 1934, MedGen C0393706, MONDO:0800491.

Submission:

Labcorp Genetics (formerly Invitae), Labcorp
Classification: Pathogenic for Early-infantile DEE. Last evaluated: 2019-09-12. Review status: criteria provided, single submitter. Criteria: Invitae Variant Classification Sherloc (09022015). Collection method: clinical testing. Allele origin: germline.
Comment: For these reasons, this variant has been classified as Pathogenic. This variant disrupts the p.Ala239 amino acid residue in SCN1A. Other variant(s) that disrupt this residue have been observed in individuals with SCN1A-related conditions (PMID: 19303743, 17347258, 28202706), which suggests that this may be a clinically significant amino acid residue. Algorithms developed to predict the effect of missense changes on protein structure and function (SIFT, PolyPhen-2, Align-GVGD) all suggest that this variant is likely to be disruptive, but these predictions have not been confirmed by published functional studies and their clinical significance is uncertain. In at least one individual the variant was observed to be de novo. This variant is not present in population databases (ExAC no frequency). This sequence change replaces alanine with glycine at codon 239 of the SCN1A protein (p.Ala239Gly). The alanine residue is highly conserved and there is a small physicochemical difference between alanine and glycine.

Literature cited by the submitters: PubMed 19303743; PubMed 17347258; PubMed 28202706.

NM_001165963.4(SCN1A):c.716C>G (p.Ala239Gly)

Gene: SCN1A (sodium voltage-gated channel alpha subunit 1; minus strand). Cytogenetic location: 2q24.3.
Variant type: single nucleotide variant.
Coding change: c.716C>G on transcript NM_001165963.4 (MANE Select); coding-DNA position 716, C replaced by G.
Protein change: p.Ala239Gly; replaces alanine 239 with glycine.
Molecular consequence: missense variant. On other transcripts: 5 prime UTR variant (1), non-coding transcript variant (1).
Genome position (GRCh38, 1-based): chr2:166,051,967, G>C on the plus strand (C>G on the coding strand, the complement: SCN1A is on the minus strand). VCF-style: chr2-166051967-G-C. GRCh37 (hg19) VCF-style: chr2-166908477-G-C.
Other names: c.716C>G, p.Ala239Gly (NM_001353949.2, NM_001353950.2, NM_001353951.2 and 10 more transcripts); c.-1710C>G (NM_001353961.2); short protein forms A239G.
Identifiers: ClinVar variation 940560 (VCV000940560.10), dbSNP rs121917909, ClinGen allele CA349073780.